The following is an entry in ClinVar:

NM_030777.4(SLC2A10):c.1408A>T (p.Ile470Phe)

Gene: SLC2A10 (solute carrier family 2 member 10; plus strand). Cytogenetic location: 20q13.12.
Variant type: single nucleotide variant.
Coding change: c.1408A>T on transcript NM_030777.4 (MANE Select); coding-DNA position 1408, A replaced by T.
Protein change: p.Ile470Phe; replaces isoleucine 470 with phenylalanine.
Molecular consequence: missense variant.
Genome position (GRCh38, 1-based): chr20:46,726,983, A>T. VCF-style: chr20-46726983-A-T. GRCh37 (hg19) VCF-style: chr20-45355622-A-T.
Other names: c.1408A>T (NM_030777.3); short protein forms I470F.
Identifiers: ClinVar variation 1718957 (VCV001718957.7), dbSNP rs1055500540, ClinGen allele CA315757193.

ClinVar aggregate classification (germline): Uncertain significance. Review status: criteria provided, multiple submitters, no conflicts (2 of 4 stars). 2 submissions from 2 submitters: Uncertain significance (2). Last evaluated 2024-09-16.

Conditions:
Arterial tortuosity syndrome (ATORS). Identifiers: Orphanet 3342, MedGen C1859726, MONDO:0008818, OMIM 208050.

Allele frequency attached by ClinVar (database versions not stated): TOPMed below 0.00001; gnomAD 0.00001.
gnomAD v4.1: 6 of 1,613,802 alleles (0.00037%); highest among the groups gnomAD compares: Non-Finnish European, 0.00051%; no homozygotes.

Submissions (2):

GeneDx
Classification: Uncertain significance. Last evaluated: 2024-09-16. Review status: criteria provided, single submitter. Criteria: GeneDx Variant Classification Process June 2021. Collection method: clinical testing. Allele origin: germline. Affected: yes.
Comment: Not observed at significant frequency in large population cohorts (gnomAD); In silico analysis indicates that this missense variant does not alter protein structure/function; Has not been previously published as pathogenic or benign to our knowledge

Labcorp Genetics (formerly Invitae), Labcorp
Classification: Uncertain significance for Arterial tortuosity syndrome. Last evaluated: 2022-07-19. Review status: criteria provided, single submitter. Criteria: Invitae Variant Classification Sherloc (09022015). Collection method: clinical testing. Allele origin: germline.
Comment: Algorithms developed to predict the effect of missense changes on protein structure and function are either unavailable or do not agree on the potential impact of this missense change (SIFT: "Deleterious"; PolyPhen-2: "Possibly Damaging"; Align-GVGD: "Class C15"). In summary, the available evidence is currently insufficient to determine the role of this variant in disease. Therefore, it has been classified as a Variant of Uncertain Significance. This variant has not been reported in the literature in individuals affected with SLC2A10-related conditions. This variant is not present in population databases (gnomAD no frequency). This sequence change replaces isoleucine, which is neutral and non-polar, with phenylalanine, which is neutral and non-polar, at codon 470 of the SLC2A10 protein (p.Ile470Phe).